The following is an entry in ClinVar:

ClinVar aggregate classification (germline): Uncertain significance (1 of 4 stars; one submission).

Conditions:
Hereditary cancer-predisposing syndrome. Also called: Neoplastic Syndromes, Hereditary; Tumor predisposition; Hereditary Cancer Syndrome; Hereditary neoplastic syndrome. Identifiers: Orphanet 140162, MedGen C0027672, MeSH D009386, MONDO:0015356.

Submission:

Ambry Genetics
Classification: Uncertain significance for Hereditary cancer-predisposing syndrome. Last evaluated: 2025-10-05. Review status: criteria provided, single submitter. Criteria: Ambry Variant Classification Scheme 2023. Collection method: clinical testing. Allele origin: germline.
Comment: The p.C654F variant (also known as c.1961G>T), located in coding exon 18 of the POLE gene, results from a G to T substitution at nucleotide position 1961. The cysteine at codon 654 is replaced by phenylalanine, an amino acid with highly dissimilar properties. This amino acid position is conserved. In addition, this alteration is predicted to be deleterious by in silico analysis. Based on the available evidence, the clinical significance of this variant remains unclear.

NM_006231.4(POLE):c.1961G>T (p.Cys654Phe)

Gene: POLE (DNA polymerase epsilon, catalytic subunit; minus strand). Cytogenetic location: 12q24.33.
Variant type: single nucleotide variant.
Coding change: c.1961G>T on transcript NM_006231.4 (MANE Select); coding-DNA position 1961, G replaced by T.
Protein change: p.Cys654Phe; replaces cysteine 654 with phenylalanine.
Molecular consequence: missense variant.
Genome position (GRCh38, 1-based): chr12:132,668,700, C>A on the plus strand (G>T on the coding strand, the complement: POLE is on the minus strand). VCF-style: chr12-132668700-C-A. GRCh37 (hg19) VCF-style: chr12-133245286-C-A.
Other names: short protein forms C654F.
Identifiers: ClinVar variation 4671760 (VCV004671760.1).